The following is an entry in ClinVar:

ClinVar aggregate classification (germline): Conflicting classifications of pathogenicity. Review status: criteria provided, conflicting classifications (1 of 4 stars). 5 submissions from 5 submitters: Uncertain significance (2); Benign (1); Likely benign (2). Last evaluated 2025-11-05.

Conditions:
NF1-related disorder. Also called: NF1-related condition. Identifiers: MedGen CN379171.
Neurofibromatosis, type 1 (NF1). Also called: VON RECKLINGHAUSEN DISEASE; NEUROFIBROMATOSIS, TYPE I, SOMATIC; Peripheral type neurofibromatosis; Neurofibromatosis, type I. Identifiers: Orphanet 636, MedGen C0027831, MONDO:0018975, OMIM 162200. Disease mechanism: loss of function.
Cardiovascular phenotype. Identifiers: MedGen CN230736.
Hereditary cancer-predisposing syndrome. Also called: Hereditary Cancer Syndrome; Hereditary neoplastic syndrome; Tumor predisposition; Neoplastic Syndromes, Hereditary. Identifiers: Orphanet 140162, MedGen C0027672, MeSH D009386, MONDO:0015356.

Allele frequency attached by ClinVar (database versions not stated): gnomAD exomes 0.00002; TOPMed 0.00003; gnomAD 0.00004.
gnomAD v4.1: 41 of 1,613,598 alleles (0.0025%); highest among the groups gnomAD compares: African/African-American, 0.004%; no homozygotes.

Submissions (5):

Labcorp Genetics (formerly Invitae), Labcorp
Classification: Benign for Neurofibromatosis, type 1. Last evaluated: 2025-11-05. Review status: criteria provided, single submitter. Criteria: Invitae Variant Classification Sherloc (09022015). Collection method: clinical testing. Allele origin: germline.

Women's Health and Genetics/Laboratory Corporation of America, LabCorp
Classification: Uncertain significance. Last evaluated: 2025-06-29. Review status: criteria provided, single submitter. Criteria: LabCorp Variant Classification Summary - May 2015. Collection method: clinical testing. Allele origin: germline.
Comment: Variant summary: NF1 c.181A>G (p.Ile61Val) results in a conservative amino acid change in the encoded protein sequence. Algorithms developed to predict the effect of missense changes on protein structure and function are either unavailable or do not agree on the potential impact of this missense change. The variant allele was found at a frequency of 2.5e-05 in 1613598 control chromosomes. This frequency is not significantly higher than estimated for a pathogenic variant in NF1 causing Neurofibromatosis Type 1 (2.5e-05 vs 0.00021), allowing no conclusion about variant significance. c.181A>G has not been reported in the literature in individuals affected with Neurofibromatosis Type 1. However, in cancer case-control studies, the variant was absent from disease cohorts but reported in controls (example, Momozawa_2018, Okawa_2023). These report(s) do not provide unequivocal conclusions about association of the variant with Neurofibromatosis Type 1 and other NF1-related disease. To our knowledge, no experimental evidence demonstrating an impact on protein function has been reported. The following publications have been ascertained in the context of this evaluation (PMID: 30287823, 36243179). ClinVar contains an entry for this variant (Variation ID: 457548). Based on the evidence outlined above, the variant was classified as VUS-possibly benign.

Ambry Genetics
Classification: Likely benign for Cardiovascular phenotype; Hereditary cancer-predisposing syndrome. Last evaluated: 2024-10-30. Review status: criteria provided, single submitter. Criteria: Ambry Variant Classification Scheme 2023. Collection method: clinical testing. Allele origin: germline.

PreventionGenetics, part of Exact Sciences
Classification: Uncertain significance for NF1-related condition. Last evaluated: 2022-09-01. Review status: criteria provided, single submitter. Criteria: ACMG Guidelines, 2015. Collection method: clinical testing. Allele origin: germline.
Comment: The NF1 c.181A>G variant is predicted to result in the amino acid substitution p.Ile61Val. This variant is reported in 0.0046% of alleles in individuals of European (Finnish) descent in gnomAD. At this time, the clinical significance of this variant is uncertain due to the absence of conclusive functional and genetic evidence.

GeneDx
Classification: Likely benign. Last evaluated: 2019-07-22. Review status: criteria provided, single submitter. Criteria: GeneDx Variant Classification Process June 2021. Collection method: clinical testing. Allele origin: germline. Affected: yes.
Comment: In silico analysis, which includes protein predictors and evolutionary conservation, supports that this variant does not alter protein structure/function; This variant is associated with the following publications: (PMID: 30287823)

Literature cited by the submitters: PubMed 30287823 (cited by Women's Health and Genetics/Laboratory Corporation of America, LabCorp and Ambry Genetics); PubMed 33471991 (cited by Women's Health and Genetics/Laboratory Corporation of America, LabCorp); PubMed 36243179 (cited by Women's Health and Genetics/Laboratory Corporation of America, LabCorp).

NM_001042492.3(NF1):c.181A>G (p.Ile61Val)

Gene: NF1 (neurofibromin 1; plus strand). Cytogenetic location: 17q11.2.
Variant type: single nucleotide variant.
Coding change: c.181A>G on transcript NM_001042492.3 (MANE Select); coding-DNA position 181, A replaced by G.
Protein change: p.Ile61Val; replaces isoleucine 61 with valine.
Molecular consequence: missense variant.
Genome position (GRCh38, 1-based): chr17:31,156,103, A>G. VCF-style: chr17-31156103-A-G. GRCh37 (hg19) VCF-style: chr17-29483121-A-G.
Other names: c.181A>G, p.Ile61Val (NM_000267.4, NM_001128147.3); short protein forms I61V.
Identifiers: ClinVar variation 457548 (VCV000457548.18), dbSNP rs754295034, ClinGen allele CA289348701.
Genomic context (GRCh38, chr17:31,156,103, plus strand): 5'-GAATGTCTAATCAATATTTCCAAATACAAGTTTTCTTTGGTTATAAGCGGCCTCACTACT[A>G]TTTTAAAGAATGTTAACAATATGGTGAGTATTTGGGTTACTGTGTTTTGGGGAATTTGCT-3'
Protein context (NP_001035957.1, residues 51-71): FSLVISGLTT[Ile61Val]LKNVNNMRIF